The following is an entry in ClinVar:

ClinVar aggregate classification (germline): Uncertain significance. Review status: criteria provided, multiple submitters, no conflicts (2 of 4 stars). 3 submissions from 3 submitters: Uncertain significance (3). Last evaluated 2025-01-02.

Conditions:
Inborn genetic diseases. Identifiers: MedGen C0950123, MeSH D030342.
Diffuse cerebral and cerebellar atrophy - intractable seizures - progressive microcephaly syndrome. Also called: Microcephaly, progressive, with seizures and cerebral and cerebellar atrophy. Identifiers: Orphanet 404437, MedGen C4014239, MONDO:0014335, OMIM 615760.

Allele frequency attached by ClinVar (database versions not stated): TOPMed below 0.00001; gnomAD exomes 0.00001.

Submissions (3):

GeneDx
Classification: Uncertain significance. Last evaluated: 2025-01-02. Review status: criteria provided, single submitter. Criteria: GeneDx Variant Classification Process June 2021. Collection method: clinical testing. Allele origin: germline. Affected: yes.
Comment: Not observed at significant frequency in large population cohorts (gnomAD); In silico analysis indicates that this missense variant does not alter protein structure/function; Has not been previously published as pathogenic or benign to our knowledge; This variant is associated with the following publications: (PMID: 25471517)

Ambry Genetics
Classification: Uncertain significance for Inborn genetic diseases. Last evaluated: 2023-01-25. Review status: criteria provided, single submitter. Criteria: Ambry Variant Classification Scheme 2023. Collection method: clinical testing. Allele origin: germline.

Labcorp Genetics (formerly Invitae), Labcorp
Classification: Uncertain significance for Diffuse cerebral and cerebellar atrophy - intractable seizures - progressive microcephaly syndrome. Last evaluated: 2022-03-29. Review status: criteria provided, single submitter. Criteria: Invitae Variant Classification Sherloc (09022015). Collection method: clinical testing. Allele origin: germline.
Comment: This sequence change replaces isoleucine, which is neutral and non-polar, with valine, which is neutral and non-polar, at codon 579 of the QARS protein (p.Ile579Val). This variant is present in population databases (no rsID available, gnomAD 0.002%). This variant has not been reported in the literature in individuals affected with QARS-related conditions. Algorithms developed to predict the effect of missense changes on protein structure and function output the following: SIFT: "Tolerated"; PolyPhen-2: "Not Available"; Align-GVGD: "Class C0". The valine amino acid residue is found in multiple mammalian species, which suggests that this missense change does not adversely affect protein function. In summary, the available evidence is currently insufficient to determine the role of this variant in disease. Therefore, it has been classified as a Variant of Uncertain Significance.

NM_005051.3(QARS1):c.1735A>G (p.Ile579Val)

Gene: QARS1 (glutaminyl-tRNA synthetase 1; minus strand). Cytogenetic location: 3p21.31.
Variant type: single nucleotide variant.
Coding change: c.1735A>G on transcript NM_005051.3 (MANE Select); coding-DNA position 1735, A replaced by G.
Protein change: p.Ile579Val; replaces isoleucine 579 with valine.
Molecular consequence: missense variant. On other transcripts: non-coding transcript variant (1).
Genome position (GRCh38, 1-based): chr3:49,099,133, T>C on the plus strand (A>G on the coding strand, the complement: QARS1 is on the minus strand). VCF-style: chr3-49099133-T-C. GRCh37 (hg19) VCF-style: chr3-49136566-T-C.
Other names: c.1702A>G, p.Ile568Val (NM_001272073.2); c.1735A>G (NM_005051.1, NM_005051.2); short protein forms I568V, I579V.
Identifiers: ClinVar variation 2054452 (VCV002054452.4), dbSNP rs1280577753, ClinGen allele CA352702007.